The following is an entry in ClinVar:

ClinVar aggregate classification (germline): Pathogenic (1 of 4 stars; one submission).

Conditions:
Primary ciliary dyskinesia 3. Identifiers: Orphanet 244, MedGen C1837618, MONDO:0012085, OMIM 608644.

Submission:

Myriad Genetics, Inc.
Classification: Pathogenic for Primary ciliary dyskinesia 3. Last evaluated: 2024-05-14. Review status: criteria provided, single submitter. Criteria: Myriad Autosomal Dominant, Autosomal Recessive and X-Linked Classification Criteria (2023). Collection method: clinical testing. Allele origin: unknown.
Comment: NM_001369.2(DNAH5):c.5448_5449ins14(Q1817Sfs*7) is expected to be pathogenic in the context of primary ciliary dyskinesia, DNAH5-related. This variant is predicted to lead to an abnormal or absent protein product due to the creation of a premature termination codon in DNAH5, a gene where loss-of-function variants are known to be pathogenic. Please note: this variant was assessed in the context of healthy population screening.

NM_001369.3(DNAH5):c.5448_5449insAGCAGCACGACGAT (p.Gln1817fs)

Gene: DNAH5 (dynein axonemal heavy chain 5; minus strand). Cytogenetic location: 5p15.2.
Variant type: Insertion.
Coding change: c.5448_5449insAGCAGCACGACGAT on transcript NM_001369.3 (MANE Select); coding-DNA positions 5448 to 5449, AGCAGCACGACGAT inserted.
Protein change: p.Gln1817fs; shifts the reading frame from glutamine 1817.
Molecular consequence: frameshift variant.
Genome position: GRCh38 VCF-style: chr5-13841727-G-GATCGTCGTGCTGCT. GRCh37 (hg19) VCF-style: chr5-13841836-G-GATCGTCGTGCTGCT.
Other names: short protein forms Q1817fs.
Identifiers: ClinVar variation 5010567 (VCV005010567.1).
Genomic context (GRCh38, chr5:13,841,727, plus strand): 5'-TACTTTCAAATTTCAATACACTGACCTGAGCAGGGAAGGATGAAAGAAATTCAGTTAGTT[G>GATCGTCGTGCTGCT]GAAACCTGTTTCTTGAATATTTGCGGCTGCCTGGCGAATCACAAGATGCAATGAGGACTG-3'